The following is an entry in ClinVar:

ClinVar aggregate classification (germline): Likely benign (1 of 4 stars; one submission).

Submission:

CeGaT Center for Human Genetics Tuebingen
Classification: Likely benign. Last evaluated: 2026-03-01. Review status: criteria provided, single submitter. Criteria: CeGaT Center For Human Genetics Tuebingen Variant Classification Criteria Version 2. Collection method: clinical testing. Allele origin: germline. Affected: yes. Observed: 1 variant allele.
Comment: SEC24D: BP4, BP7

NM_014822.4(SEC24D):c.2412C>T (p.Val804=)

Gene: SEC24D (SEC24 homolog D, COPII component; minus strand). Cytogenetic location: 4q26.
Variant type: single nucleotide variant.
Coding change: c.2412C>T on transcript NM_014822.4 (MANE Select); coding-DNA position 2412, C replaced by T.
Protein change: p.Val804=; no amino-acid change (valine 804 retained).
Molecular consequence: synonymous variant.
Genome position (GRCh38, 1-based): chr4:118,738,345, G>A on the plus strand (C>T on the coding strand, the complement: SEC24D is on the minus strand). VCF-style: chr4-118738345-G-A. GRCh37 (hg19) VCF-style: chr4-119659500-G-A.
Other names: c.2415C>T, p.Val805= (NM_001318066.2).
Identifiers: ClinVar variation 4823578 (VCV004823578.4).